The following is an entry in ClinVar:

NM_000059.4(BRCA2):c.3800A>G (p.Asp1267Gly)

Gene: BRCA2 (BRCA2 DNA repair associated; plus strand). Cytogenetic location: 13q13.1.
Variant type: single nucleotide variant.
Coding change: c.3800A>G on transcript NM_000059.4 (MANE Select); coding-DNA position 3800, A replaced by G.
Protein change: p.Asp1267Gly; replaces aspartic acid 1267 with glycine.
Molecular consequence: missense variant.
Genome position (GRCh38, 1-based): chr13:32,338,155, A>G. VCF-style: chr13-32338155-A-G. GRCh37 (hg19) VCF-style: chr13-32912292-A-G.
Other names: p.Asp1267Gly; short protein forms D1267G.
Identifiers: ClinVar variation 480999 (VCV000480999.21), dbSNP rs1555283400, ClinGen allele CA387778411.

ClinVar aggregate classification (germline): Conflicting classifications of pathogenicity. Review status: criteria provided, conflicting classifications (1 of 4 stars). 5 submissions from 5 submitters: Uncertain significance (4); Likely benign (1). Last evaluated 2026-03-03.

Conditions:
Hereditary breast ovarian cancer syndrome. Also called: Hereditary breast and/or ovarian cancer syndrome; Hereditary breast and ovarian cancer syndrome; Hereditary breast and ovarian cancer; Hereditary breast and ovarian cancer syndrome (HBOC); Breast and ovarian cancer; BRCA1- and BRCA2-Associated Hereditary Breast and Ovarian Cancer. Identifiers: Orphanet 145, MedGen C0677776, MeSH D061325, MONDO:0003582. Disease mechanism: loss of function.
Hereditary cancer-predisposing syndrome. Also called: Tumor predisposition; Hereditary Cancer Syndrome; Neoplastic Syndromes, Hereditary; Hereditary neoplastic syndrome. Identifiers: Orphanet 140162, MedGen C0027672, MeSH D009386, MONDO:0015356.
Breast-ovarian cancer, familial, susceptibility to, 2 (BROVCA2). Also called: BRCA2 Hereditary Breast and Ovarian Cancer. Identifiers: Orphanet 145, MedGen C2675520, MONDO:0012933, OMIM 612555. Disease mechanism: loss of function.

Allele frequency attached by ClinVar (database versions not stated): gnomAD exomes below 0.00001; TOPMed below 0.00001.
gnomAD v4.1: 1 of 1,596,448 alleles (0.000063%); highest among the groups gnomAD compares: East Asian, 0.0022%; no homozygotes.

Submissions (5):

Ambry Genetics
Classification: Uncertain significance for Hereditary cancer-predisposing syndrome. Last evaluated: 2026-03-03. Review status: criteria provided, single submitter. Criteria: Ambry Variant Classification Scheme 2023. Collection method: clinical testing. Allele origin: germline.

Labcorp Genetics (formerly Invitae), Labcorp
Classification: Uncertain significance for Hereditary breast ovarian cancer syndrome. Last evaluated: 2024-01-27. Review status: criteria provided, single submitter. Criteria: Invitae Variant Classification Sherloc (09022015). Collection method: clinical testing. Allele origin: germline.
Comment: This sequence change replaces aspartic acid, which is acidic and polar, with glycine, which is neutral and non-polar, at codon 1267 of the BRCA2 protein (p.Asp1267Gly). This variant is not present in population databases (gnomAD no frequency). This variant has not been reported in the literature in individuals affected with BRCA2-related conditions. ClinVar contains an entry for this variant (Variation ID: 480999). Advanced modeling of protein sequence and biophysical properties (such as structural, functional, and spatial information, amino acid conservation, physicochemical variation, residue mobility, and thermodynamic stability) performed at Invitae indicates that this missense variant is not expected to disrupt BRCA2 protein function with a negative predictive value of 95%. In summary, the available evidence is currently insufficient to determine the role of this variant in disease. Therefore, it has been classified as a Variant of Uncertain Significance.

All of Us Research Program, National Institutes of Health
Classification: Uncertain significance for Breast-ovarian cancer, familial, susceptibility to, 2. Last evaluated: 2023-11-20. Review status: criteria provided, single submitter. Criteria: ACMG Guidelines, 2015. Collection method: clinical testing. Allele origin: germline. Inheritance: Autosomal dominant inheritance. Observed: 1 variant allele, 1 heterozygote.
Comment: This missense variant replaces aspartic acid with glycine at codon 1267 of the BRCA2 protein. Computational prediction suggests that this variant may not impact protein structure and function (internally defined REVEL score threshold <= 0.5, PMID: 27666373). To our knowledge, functional studies have not been reported for this variant. This variant has been reported in an individual affected with endometrial cancer (PMID: 27443514). This variant has not been identified in the general population by the Genome Aggregation Database (gnomAD). The available evidence is insufficient to determine the role of this variant in disease conclusively. Therefore, this variant is classified as a Variant of Uncertain Significance.

This study involves interpretation of variants in research participants for the purpose of population health screening. Participant phenotype was not available at the time of variant classification. Additional details can be found in publication PMID: 35346344, PMCID: PMC8962531

University of Washington Department of Laboratory Medicine, University of Washington
Classification: Likely benign for Hereditary cancer-predisposing syndrome. Last evaluated: 2023-03-23. Review status: criteria provided, single submitter. Criteria: Dines et al. (Genet Med. 2020). Collection method: curation. Allele origin: germline.
Comment: Missense variant in a coldspot region where missense variants are very unlikely to be pathogenic (PMID:31911673).

BRCA2 exon 11 coldspot. Reclassification based on statistical prior probability.

Mayo Clinic Laboratories, Mayo Clinic
Classification: Uncertain significance. Last evaluated: 2022-01-24. Review status: criteria provided, single submitter. Criteria: ACMG Guidelines, 2015. Collection method: clinical testing. Allele origin: germline.

Literature cited by the submitters: PubMed 27443514 (cited by All of Us Research Program, National Institutes of Health).